The following is an entry in ClinVar:

NM_003036.4(SKI):c.1637G>T (p.Arg546Leu)

Gene: SKI (SKI proto-oncogene; plus strand). Cytogenetic location: 1p36.32.
Variant type: single nucleotide variant.
Coding change: c.1637G>T on transcript NM_003036.4 (MANE Select); coding-DNA position 1637, G replaced by T.
Protein change: p.Arg546Leu; replaces arginine 546 with leucine.
Molecular consequence: missense variant.
Genome position (GRCh38, 1-based): chr1:2,304,455, G>T. VCF-style: chr1-2304455-G-T. GRCh37 (hg19) VCF-style: chr1-2235894-G-T.
Other names: short protein forms R546L.
Identifiers: ClinVar variation 2120900 (VCV002120900.4), dbSNP rs748681103, ClinGen allele CA337957545.

ClinVar aggregate classification (germline): Uncertain significance (1 of 4 stars; one submission).

Conditions:
Shprintzen-Goldberg syndrome (SGS). Also called: Marfanoid disorder with craniosynostosis type 1; Marfanoid craniosynostosis syndrome; Shprintzen-Goldberg marfanoid syndrome; SHPRINTZEN-GOLDBERG CRANIOSYNOSTOSIS SYNDROME; CRANIOSYNOSTOSIS WITH ARACHNODACTYLY AND ABDOMINAL HERNIAS. Identifiers: Orphanet 2462, MedGen C1321551, MONDO:0008426, OMIM 182212.

Submission:

Labcorp Genetics (formerly Invitae), Labcorp
Classification: Uncertain significance for Shprintzen-Goldberg syndrome. Last evaluated: 2022-04-02. Review status: criteria provided, single submitter. Criteria: Invitae Variant Classification Sherloc (09022015). Collection method: clinical testing. Allele origin: germline.
Comment: In summary, the available evidence is currently insufficient to determine the role of this variant in disease. Therefore, it has been classified as a Variant of Uncertain Significance. This sequence change replaces arginine, which is basic and polar, with leucine, which is neutral and non-polar, at codon 546 of the SKI protein (p.Arg546Leu). This variant is not present in population databases (gnomAD no frequency). This variant has not been reported in the literature in individuals affected with SKI-related conditions. Algorithms developed to predict the effect of missense changes on protein structure and function are either unavailable or do not agree on the potential impact of this missense change (SIFT: "Deleterious"; PolyPhen-2: "Probably Damaging"; Align-GVGD: "Class C0").